The following is an entry in ClinVar:

NM_003737.4(DCHS1):c.7191C>A (p.Ser2397=)

Gene: DCHS1 (dachsous cadherin-related 1; minus strand). Cytogenetic location: 11p15.4.
Variant type: single nucleotide variant.
Coding change: c.7191C>A on transcript NM_003737.4 (MANE Select); coding-DNA position 7191, C replaced by A.
Protein change: p.Ser2397=; no amino-acid change (serine 2397 retained).
Molecular consequence: synonymous variant.
Genome position (GRCh38, 1-based): chr11:6,624,824, G>T on the plus strand (C>A on the coding strand, the complement: DCHS1 is on the minus strand). VCF-style: chr11-6624824-G-T. GRCh37 (hg19) VCF-style: chr11-6646055-G-T.
Identifiers: ClinVar variation 4775151 (VCV004775151.1).

ClinVar aggregate classification (germline): Uncertain significance (1 of 4 stars; one submission).

gnomAD v4.1: 5 of 1,613,860 alleles (0.00031%); highest among the groups gnomAD compares: African/African-American, 0.0067%; no homozygotes.

Submission:

Labcorp Genetics (formerly Invitae), Labcorp
Classification: Uncertain significance. Last evaluated: 2025-07-09. Review status: criteria provided, single submitter. Criteria: Invitae Variant Classification Sherloc (09022015). Collection method: clinical testing. Allele origin: germline.
Comment: This sequence change affects codon 2397 of the DCHS1 mRNA. It is a 'silent' change, meaning that it does not change the encoded amino acid sequence of the DCHS1 protein. This variant is present in population databases (rs370143518, gnomAD 0.007%). This variant has not been reported in the literature in individuals affected with DCHS1-related conditions. Algorithms developed to predict the effect of sequence changes on RNA splicing suggest that this variant may disrupt the consensus splice site. In summary, the available evidence is currently insufficient to determine the role of this variant in disease. Therefore, it has been classified as a Variant of Uncertain Significance.